The following is an entry in ClinVar:

NM_012452.3(TNFRSF13B):c.541G>C (p.Ala181Pro)

Gene: TNFRSF13B (TNF receptor superfamily member 13B; minus strand). Cytogenetic location: 17p11.2.
Variant type: single nucleotide variant.
Coding change: c.541G>C on transcript NM_012452.3 (MANE Select); coding-DNA position 541, G replaced by C.
Protein change: p.Ala181Pro; replaces alanine 181 with proline.
Molecular consequence: missense variant.
Genome position (GRCh38, 1-based): chr17:16,940,416, C>G on the plus strand (G>C on the coding strand, the complement: TNFRSF13B is on the minus strand). VCF-style: chr17-16940416-C-G. GRCh37 (hg19) VCF-style: chr17-16843730-C-G.
Other names: short protein forms A181P.
Identifiers: ClinVar variation 2507319 (VCV002507319.2), dbSNP rs2508182109, ClinGen allele CA398519535.

ClinVar aggregate classification (germline): Uncertain significance (1 of 4 stars; one submission).

gnomAD v4.1: 3 of 1,614,098 alleles (0.00019%); highest among the groups gnomAD compares: Non-Finnish European, 0.00025%; no homozygotes.

Submission:

GeneDx
Classification: Uncertain significance. Last evaluated: 2025-04-25. Review status: criteria provided, single submitter. Criteria: GeneDx Variant Classification Process June 2021. Collection method: clinical testing. Allele origin: germline. Affected: yes.
Comment: Not observed at significant frequency in large population cohorts (gnomAD); In silico analysis supports that this missense variant has a deleterious effect on protein structure/function; Has not been previously published as pathogenic or benign to our knowledge